The following is an entry in ClinVar:

ClinVar aggregate classification (germline): Uncertain significance (1 of 4 stars; one submission).

Conditions:
Autoimmune lymphoproliferative syndrome type 1. Also called: AUTOIMMUNE LYMPHOPROLIFERATIVE SYNDROME, TYPE I, AUTOSOMAL DOMINANT. Identifiers: Orphanet 3261, MedGen C2717884, MONDO:0011158, OMIM 601859.

Submission:

Labcorp Genetics (formerly Invitae), Labcorp
Classification: Uncertain significance for Autoimmune lymphoproliferative syndrome. Last evaluated: 2022-10-27. Review status: criteria provided, single submitter. Criteria: Invitae Variant Classification Sherloc (09022015). Collection method: clinical testing. Allele origin: germline.
Comment: This variant has not been reported in the literature in individuals affected with FAS-related conditions. This variant is not present in population databases (gnomAD no frequency). This sequence change replaces lysine, which is basic and polar, with glutamine, which is neutral and polar, at codon 33 of the FAS protein (p.Lys33Gln). ClinVar contains an entry for this variant (Variation ID: 1449112). In summary, the available evidence is currently insufficient to determine the role of this variant in disease. Therefore, it has been classified as a Variant of Uncertain Significance. Algorithms developed to predict the effect of missense changes on protein structure and function are either unavailable or do not agree on the potential impact of this missense change (SIFT: "Not Available"; PolyPhen-2: "Benign"; Align-GVGD: "Not Available").

NM_000043.6(FAS):c.97A>C (p.Lys33Gln)

Gene: FAS (Fas cell surface death receptor; plus strand). Cytogenetic location: 10q23.31.
Variant type: single nucleotide variant.
Coding change: c.97A>C on transcript NM_000043.6 (MANE Select); coding-DNA position 97, A replaced by C.
Protein change: p.Lys33Gln; replaces lysine 33 with glutamine.
Molecular consequence: missense variant. On other transcripts: non-coding transcript variant (7).
Genome position (GRCh38, 1-based): chr10:89,003,095, A>C. VCF-style: chr10-89003095-A-C. GRCh37 (hg19) VCF-style: chr10-90762852-A-C.
Other names: c.97A>C, p.Lys33Gln (NM_001320619.2, NM_152871.4, NM_152872.4); short protein forms K33Q.
Identifiers: ClinVar variation 1449112 (VCV001449112.6), dbSNP rs55766344, ClinGen allele CA377507451.